The following is an entry in ClinVar:

NM_004453.4(ETFDH):c.488-3T>C

Gene: ETFDH (electron transfer flavoprotein dehydrogenase; plus strand). Cytogenetic location: 4q32.1.
Variant type: single nucleotide variant.
Coding change: c.488-3T>C on transcript NM_004453.4 (MANE Select); 3 bases into the intron before coding-DNA position 488, T replaced by C.
Molecular consequence: intron variant.
Genome position (GRCh38, 1-based): chr4:158,685,098, T>C. VCF-style: chr4-158685098-T-C. GRCh37 (hg19) VCF-style: chr4-159606250-T-C.
Other names: c.347-3T>C (NM_001281737.2); c.305-3T>C (NM_001281738.1).
Identifiers: ClinVar variation 4799568 (VCV004799568.1).
Genomic context (GRCh38, chr4:158,685,098, plus strand): 5'-TTATGTTTTTGTAATGTCTTATCAATAAAAAGTCAGATTTATAAATTAAGCATATATTTA[T>C]AGGGCTTCCAATGAATAATCATGGCAATTACATTGTACGCTTGGGACATTTAGTGAGCTG-3'

ClinVar aggregate classification (germline): Uncertain significance (1 of 4 stars; one submission).

Conditions:
Multiple acyl-CoA dehydrogenase deficiency (MADD). Also called: Glutaric aciduria, type 2; Glutaric Acidemia type 2; Glutaric acidemia type II; GA 2; ETHYLMALONIC-ADIPICACIDURIA; GA II. Identifiers: Orphanet 26791, MedGen C0268596, MONDO:0009282, OMIM 231680.

Submission:

Labcorp Genetics (formerly Invitae), Labcorp
Classification: Uncertain significance for Multiple acyl-CoA dehydrogenase deficiency. Last evaluated: 2025-03-22. Review status: criteria provided, single submitter. Criteria: Invitae Variant Classification Sherloc (09022015). Collection method: clinical testing. Allele origin: germline.
Comment: This sequence change falls in intron 4 of the ETFDH gene. It does not directly change the encoded amino acid sequence of the ETFDH protein. It affects a nucleotide within the consensus splice site. This variant is not present in population databases (gnomAD no frequency). This variant has not been reported in the literature in individuals affected with ETFDH-related conditions. Variants that disrupt the consensus splice site are a relatively common cause of aberrant splicing (PMID: 17576681, 9536098). Algorithms developed to predict the effect of sequence changes on RNA splicing suggest that this variant is not likely to affect RNA splicing. In summary, the available evidence is currently insufficient to determine the role of this variant in disease. Therefore, it has been classified as a Variant of Uncertain Significance.

Literature cited by the submitters: PubMed 17576681; PubMed 9536098.